The following is an entry in ClinVar:

NM_032444.4(SLX4):c.1928T>C (p.Leu643Ser)

Gene: SLX4 (SLX4 structure-specific endonuclease subunit; minus strand). Cytogenetic location: 16p13.3.
Variant type: single nucleotide variant.
Coding change: c.1928T>C on transcript NM_032444.4 (MANE Select); coding-DNA position 1928, T replaced by C.
Protein change: p.Leu643Ser; replaces leucine 643 with serine.
Molecular consequence: missense variant.
Genome position (GRCh38, 1-based): chr16:3,595,690, A>G on the plus strand (T>C on the coding strand, the complement: SLX4 is on the minus strand). VCF-style: chr16-3595690-A-G. GRCh37 (hg19) VCF-style: chr16-3645691-A-G.
Other names: short protein forms L643S.
Identifiers: ClinVar variation 1692002 (VCV001692002.1), dbSNP rs2151129378, ClinGen allele CA394526802.
Genomic context (GRCh38, chr16:3,595,690, plus strand): 5'-TGCTTGTCCTGCGATGGCACCACAAACCCAGTCAGAGGAAGGCCGCCGGGCACCACGTCC[A>G]ACCCTGAGTGGAGGATTCACAGGTTAAAGGAACGTCACAGCCCAGCCACATCCACCACCA-3'
Protein context (NP_115820.2, residues 633-653): GLAGSEGTAG[Leu643Ser]DVVPGGLPLT

ClinVar aggregate classification (germline): Uncertain significance (1 of 4 stars; one submission).

Conditions:
Fanconi anemia (FA). Also called: Fanconi's anemia. Identifiers: Orphanet 84, MedGen C0015625, MeSH D005199, MONDO:0019391.

Submission:

Sema4
Classification: Uncertain significance for Fanconi anemia. Last evaluated: 2021-05-27. Review status: criteria provided, single submitter. Criteria: Sema4 Curation Guidelines. Collection method: curation. Allele origin: germline.
Comment: The SLX4 c.1928T>C (p.L643S) variant has not been reported in the literature to our knowledge. It was not observed in the large and broad cohorts of the Genome Aggregation Database. The variant has not been reported in ClinVar. In silico tools suggest the impact of the variant on protein function is benign, though these predictions have not been confirmed by functional studies. The evidence is insufficient to meet ACMG/AMP criteria for classifying the variant as benign or pathogenic. Thus, the clinical significance of this variant is currently uncertain.